The following continues an entry in ClinVar:

NM_000083.3(CLCN1):c.1453A>G (p.Met485Val)

Gene: CLCN1. ClinVar aggregate classification (germline): Pathogenic. Pathogenic (19).

Submissions 9 to 19 of 19:

PreventionGenetics, part of Exact Sciences
Classification: Pathogenic for CLCN1-related condition. Last evaluated: 2025-08-19. Review status: criteria provided, single submitter. Criteria: ACMG Guidelines, 2015. Collection method: clinical testing. Allele origin: germline.
Comment: The CLCN1 c.1453A>G variant is predicted to result in the amino acid substitution p.Met485Val. This variant has been reported in the homozygous and compound heterozgyous states in mutliple individuals with autosomal recessive myotonia congenita (Dupré et al. 2009. PubMed ID: 18337100; Mazón et al. 2012. PubMed ID: 22094069; Milla et al. 2019. PubMed ID: 31544778; Suetterlin et al. 2022. PubMed ID: 34529042) and has been observed to co-segregate with disease in at least one family (Meyer-Kleine et al. 1995. PubMed ID: 8533761). In vitro functional studies have demonstrated that this variant negatively impacts chloride channel function (Wollnik et al. 1997. PubMed ID: 9158157; Kubisch et al. 1998. PubMed ID: 9736777; Tan et al. 2013. PubMed ID: 24037712; Suetterlin et al. 2022. PubMed ID: 34529042). This variant is reported in 0.065% of alleles in individuals of European (Non-Finnish) descent in gnomAD. Of note, other missense variants at this amino acid residue (p.Met485Lys, p.Met485Glu) have been reported in individuals with CLCN1-related disease (Fialho et al. 2007. PubMed ID: 17932099; Suetterlin et al. 2022. PubMed ID: 34529042). Taken together, this variant is interpreted as pathogenic for autosomal recessive CLCN1-related disorders.

CeGaT Center for Human Genetics Tuebingen
Classification: Pathogenic. Last evaluated: 2024-12-01. Review status: criteria provided, single submitter. Criteria: CeGaT Center For Human Genetics Tuebingen Variant Classification Criteria Version 2. Collection method: clinical testing. Allele origin: germline. Affected: yes. Observed: 3 variant alleles.
Comment: CLCN1: PM3:Strong, PM5, PP1:Moderate, PM2:Supporting, PP3, PS3:Supporting

Blueprint Genetics
Classification: Pathogenic for CLCN1-related disorders. Last evaluated: 2024-10-28. Review status: criteria provided, single submitter. Criteria: ACMG Guidelines, 2015. Collection method: clinical testing. Allele origin: germline. Affected: yes. Observed: 5 variant alleles.

Revvity Omics, Revvity
Classification: Pathogenic. Last evaluated: 2024-06-04. Review status: criteria provided, single submitter. Criteria: ACMG Guidelines, 2015. Collection method: clinical testing. Allele origin: germline.

Fulgent Genetics
Classification: Pathogenic for Congenital myotonia, autosomal dominant form; Congenital myotonia, autosomal recessive form. Last evaluated: 2024-05-29. Review status: criteria provided, single submitter. Criteria: ACMG Guidelines, 2015. Collection method: clinical testing. Allele origin: germline.

Athena Diagnostics
Classification: Pathogenic. Last evaluated: 2024-01-24. Review status: criteria provided, single submitter. Criteria: Athena Diagnostics Criteria. Collection method: clinical testing. Allele origin: unknown.
Comment: The frequency of this variant in the general population is consistent with pathogenicity. (Genome Aggregation Database (gnomAD), Cambridge, MA (URL)) This variant has been identified in multiple individuals with recessive myotonia congenita (PMID: 8533761, 18337100, 22094069, 24349310, 24920213). Assessment of experimental evidence suggests this variant results in abnormal protein function. (PMID: 9158157, 34529042)

Molecular Genetics, Royal Melbourne Hospital
Classification: Pathogenic for Congenital myotonia, autosomal recessive form. Last evaluated: 2023-11-05. Review status: criteria provided, single submitter. Criteria: ACMG Guidelines, 2015. Collection method: clinical testing. Allele origin: germline. Inheritance: Autosomal recessive inheritance. Affected: yes.
Comment: This sequence change in CLCN1 is predicted to replace methionine with valine at codon 485, p.(Met485Val). The methionine residue is highly conserved (100 vertebrates, UCSC), and is a critical methionine residue in the helical transmembrane M-N Linker domain of the chloride ion channel (PMID: 24349310). There is a small physicochemical difference between methionine and valine. The highest population minor allele frequency in the population database gnomAD v2.1 is 0.06% (84/129,188 alleles) in the European (non-Finnish) population. This variant has been detected in multiple individuals with autosomal recessive/Becker myotonia congenita in the homozygous and compound heterozygous state and segregates with recessive disease in at least one family (PMID: 8533761, 24920213, 31544778, 22094069). An in vitro patch-clamp assay with limited validation in Xenopus oocytes demonstrates the variant causes a loss of chloride channel function and no dominant negative effect (PMID: 9158157). Computational evidence predicts a deleterious effect for the missense substitution (REVEL = 0.774). Based on the classification scheme RMH Modified ACMG/AMP Guidelines v1.6.1, this variant is classified as PATHOGENIC. Following criteria are met: PM3_VeryStrong, PM1, PP1, PP3, PS3_Supporting.

Women's Health and Genetics/Laboratory Corporation of America, LabCorp
Classification: Pathogenic for Congenital myotonia, autosomal recessive form. Last evaluated: 2023-09-07. Review status: criteria provided, single submitter. Criteria: LabCorp Variant Classification Summary - May 2015. Collection method: clinical testing. Allele origin: germline.
Comment: Variant summary: CLCN1 c.1453A>G (p.Met485Val) results in a conservative amino acid change in the encoded protein sequence. Three of five in-silico tools predict a benign effect of the variant on protein function. The variant allele was found at a frequency of 0.0004 in 251490 control chromosomes (gnomAD). c.1453A>G has been reported in the literature as a biallelic genotype in multiple individuals affected with autosomal recessive Congenital Myotonia, including at least one case where it was confirmed to be in trans with a pathogenic variant and was found to segregate with the disease phenotype within members of the same family (e.g. Meyer-Kleine_1995, Suetterlin_2022). These data indicate that the variant is very likely to be associated with disease. At least two publications report experimental evidence evaluating the variant in Xenopus oocytes and found that the variant severely impairs channel function, but does not exert a dominant negative effect when expressed with the wild type protein, consistent with it having an autosomal recessive mode of inheritance (e.g. Wollnik_1997, Suetterlin_2022). The following publications have been ascertained in the context of this evaluation (PMID: 8533761, 34529042, 9158157). Eight submitters have cited clinical-significance assessments for this variant to ClinVar after 2014 with conflicting assessments. The majority of submitters classified the variant as pathogenic (n=6) and others classified it as uncertain significance (n=2). Based on the evidence outlined above, the variant was classified as pathogenic.

GeneDx
Classification: Pathogenic. Last evaluated: 2021-09-24. Review status: criteria provided, single submitter. Criteria: GeneDx Variant Classification Process June 2021. Collection method: clinical testing. Allele origin: germline. Affected: yes.
Comment: Published functional studies demonstrate variant leads to drastic reduction of single channel conductance, is strongly inwardly rectifying, and incompletely deactivates at negative voltages (Wollnik et al., 1997); This variant is associated with the following publications: (PMID: 23739125, 9736777, 32509969, 33464536, 33314145, 8533761, 25088311, 24920213, 22094069, 9158157, 28427807, 29606556, 17932099, 31544778, 32010054, 31589614)

New York Genome Center
Classification: Pathogenic for Congenital myotonia, autosomal recessive form. Last evaluated: 2020-09-23. Review status: criteria provided, single submitter. Criteria: NYGC Assertion Criteria 2020. Collection method: clinical testing. Allele origin: inherited. Observed: 1 heterozygote. Study: CSER-NYCKidSeq.

Illumina Laboratory Services, Illumina
Classification: Pathogenic for Myotonia congenita. Last evaluated: 2018-12-18. Review status: criteria provided, single submitter. Criteria: ICSL Variant Classification Criteria 09 May 2019. Collection method: clinical testing. Allele origin: germline.
Comment: The CLCN1 c.1453A>G (p.Met485Val) missense variant has been reported in at least six studies in which it is found in a total of 13 individuals with myotonia congenita, including two in a homozygous state, ten in a compound heterozygous state (including two siblings) and one proband with unspecified zygosity (Meyer-Kleine et al. 1995; Fialho et al. 2007; Mazon et al. 2012; SkÃ¡lovÃ¡ et al. 2013; Brugnoni et al. 2013; Hoche et al. 2014). The variant has also been reported in a heterozygous state in at least three unaffected relatives (Meyer-Kleine et al. 1995; Hoche et al. 2014). The p.Met485Val variant was absent from 200 control alleles but is reported at a frequency of 0.000773 in the Other population of the Genome Aggregation Database. Functional studies involving expression in Xenopus oocytes demonstrated that the variant led to a drastic reduction of the single channel conductance compared to wildtype (Wollnik et al. 1997). Based on the evidence, the p.Met485Val variant is classified as pathogenic for myotonia congenita. This variant was observed by ICSL as part of a predisposition screen in an ostensibly healthy population.

Literature cited by the submitters: PubMed 8533761 (cited by 10 submitters); PubMed 22094069 (cited by 8 submitters); PubMed 24349310 (cited by 7 submitters); PubMed 9736777 (cited by 3 submitters); PubMed 17932099 (cited by 4 submitters); PubMed 18337100 (cited by 3 submitters); PubMed 24037712 (cited by 3 submitters); PubMed 9158157 (cited by 9 submitters); PubMed 23739125 (cited by 3 submitters); PubMed 24920213 (cited by 6 submitters); PubMed 34529042 (cited by 6 submitters); PubMed 36796140 (cited by Mayo Clinic Laboratories, Mayo Clinic and Athena Diagnostics); PubMed 38523675 (cited by Mayo Clinic Laboratories, Mayo Clinic); PubMed 39031529 (cited by Mayo Clinic Laboratories, Mayo Clinic); PubMed 31544778 (cited by 3 submitters); PubMed 33464536 (cited by Variantyx, Inc.); PubMed 28427807 (cited by Athena Diagnostics); PubMed 29606556 (cited by Athena Diagnostics); PubMed 37106355 (cited by Athena Diagnostics); PubMed 37892996 (cited by Athena Diagnostics); PubMed 25088311 (cited by Athena Diagnostics); PubMed 33314145 (cited by Athena Diagnostics); PubMed 36081873 (cited by Athena Diagnostics).